The following is an entry in ClinVar:

ClinVar aggregate classification (germline): Uncertain significance (1 of 4 stars; one submission).

Conditions:
Infantile-onset X-linked spinal muscular atrophy. Also called: SPINAL MUSCULAR ATROPHY, X-LINKED LETHAL INFANTILE; ARTHROGRYPOSIS, X-LINKED, TYPE I; AMC, DISTAL, X-LINKED; Spinal muscular atrophy, X-linked 2; Spinal Muscular Atrophy, X-Linked Infantile. Identifiers: Orphanet 1145, MedGen C1844934, MONDO:0010532, OMIM 301830.

Allele frequency attached by ClinVar (database versions not stated): gnomAD exomes below 0.00001; TOPMed 0.00001; gnomAD 0.00003.
gnomAD v4.1: 4 of 1,208,573 alleles (0.00033%); highest among the groups gnomAD compares: African/African-American, 0.0035%; no homozygotes.

Submission:

Labcorp Genetics (formerly Invitae), Labcorp
Classification: Uncertain significance for Infantile-onset X-linked spinal muscular atrophy. Last evaluated: 2023-02-27. Review status: criteria provided, single submitter. Criteria: Invitae Variant Classification Sherloc (09022015). Collection method: clinical testing. Allele origin: germline.
Comment: In summary, the available evidence is currently insufficient to determine the role of this variant in disease. Therefore, it has been classified as a Variant of Uncertain Significance. An algorithm developed to predict the effect of missense changes on protein structure and function (PolyPhen-2) suggests that this variant is likely to be tolerated. ClinVar contains an entry for this variant (Variation ID: 1009367). This variant has not been reported in the literature in individuals affected with UBA1-related conditions. This variant is present in population databases (no rsID available, gnomAD 0.02%). This sequence change replaces tyrosine, which is neutral and polar, with cysteine, which is neutral and slightly polar, at codon 948 of the UBA1 protein (p.Tyr948Cys).

NM_003334.4(UBA1):c.2843A>G (p.Tyr948Cys)

Gene: UBA1 (ubiquitin like modifier activating enzyme 1; plus strand). Cytogenetic location: Xp11.3.
Variant type: single nucleotide variant.
Coding change: c.2843A>G on transcript NM_003334.4 (MANE Select); coding-DNA position 2843, A replaced by G.
Protein change: p.Tyr948Cys; replaces tyrosine 948 with cysteine.
Molecular consequence: missense variant.
Genome position (GRCh38, 1-based): chrX:47,214,331, A>G. VCF-style: chrX-47214331-A-G. GRCh37 (hg19) VCF-style: chrX-47073730-A-G.
Other names: c.2843A>G, p.Tyr948Cys (NM_153280.3); short protein forms Y948C.
Identifiers: ClinVar variation 1009367 (VCV001009367.6), dbSNP rs1466232811, ClinGen allele CA412811306.